The following is an entry in ClinVar:

NM_002858.4(ABCD3):c.1472del (p.Pro491fs)

Gene: ABCD3 (ATP binding cassette subfamily D member 3; plus strand). Cytogenetic location: 1p21.3.
Variant type: Deletion.
Coding change: c.1472del on transcript NM_002858.4 (MANE Select); coding-DNA position 1472, one base deleted (C; older notation c.1472delC).
Protein change: p.Pro491fs; shifts the reading frame from proline 491.
Molecular consequence: frameshift variant.
Genome position (GRCh38, 1-based): chr1:94,498,790, C deleted; the last of 2 consecutive C bases (chr1:94,498,789-94,498,790); deleting either gives the same sequence. VCF-style (leftmost placement, unchanged base first): chr1-94498788-GC-G. GRCh37 (hg19) VCF-style: chr1-94964344-GC-G.
Other names: short protein forms P491fs.
Identifiers: ClinVar variation 3645578 (VCV003645578.2).

ClinVar aggregate classification (germline): Uncertain significance (1 of 4 stars; one submission).

Submission:

Labcorp Genetics (formerly Invitae), Labcorp
Classification: Uncertain significance. Last evaluated: 2024-03-12. Review status: criteria provided, single submitter. Criteria: Invitae Variant Classification Sherloc (09022015). Collection method: clinical testing. Allele origin: germline.
Comment: This sequence change creates a premature translational stop signal (p.Pro491Leufs*7) in the ABCD3 gene. It is expected to result in an absent or disrupted protein product. However, the current clinical and genetic evidence is not sufficient to establish whether loss-of-function variants in ABCD3 cause disease. This variant is not present in population databases (gnomAD no frequency). This variant has not been reported in the literature in individuals affected with ABCD3-related conditions. In summary, the available evidence is currently insufficient to determine the role of this variant in disease. Therefore, it has been classified as a Variant of Uncertain Significance.